The following is an entry in ClinVar:

ClinVar aggregate classification (germline): Uncertain significance (1 of 4 stars; one submission).

Conditions:
Renal cell carcinoma. Identifiers: Orphanet 217071, MedGen C0007134, MeSH D002292, MONDO:0005086, HP:0005584.

Allele frequency attached by ClinVar (database versions not stated): gnomAD exomes below 0.00001; ExAC 0.00001.
gnomAD v4.1: 1 of 1,614,122 alleles (0.000062%); highest among the groups gnomAD compares: Non-Finnish European, 0.000085%; no homozygotes.

Submission:

Labcorp Genetics (formerly Invitae), Labcorp
Classification: Uncertain significance for Renal cell carcinoma. Last evaluated: 2022-12-23. Review status: criteria provided, single submitter. Criteria: Invitae Variant Classification Sherloc (09022015). Collection method: clinical testing. Allele origin: germline.
Comment: This sequence change replaces leucine, which is neutral and non-polar, with proline, which is neutral and non-polar, at codon 403 of the MET protein (p.Leu403Pro). This variant is present in population databases (rs761254993, gnomAD 0.0009%). This variant has not been reported in the literature in individuals affected with MET-related conditions. ClinVar contains an entry for this variant (Variation ID: 834270). Advanced modeling of protein sequence and biophysical properties (such as structural, functional, and spatial information, amino acid conservation, physicochemical variation, residue mobility, and thermodynamic stability) performed at Invitae indicates that this missense variant is not expected to disrupt MET protein function. In summary, the available evidence is currently insufficient to determine the role of this variant in disease. Therefore, it has been classified as a Variant of Uncertain Significance.

NM_000245.4(MET):c.1208T>C (p.Leu403Pro)

Gene: MET (MET proto-oncogene, receptor tyrosine kinase; plus strand). Cytogenetic location: 7q31.2.
Variant type: single nucleotide variant.
Coding change: c.1208T>C on transcript NM_000245.4 (MANE Select); coding-DNA position 1208, T replaced by C.
Protein change: p.Leu403Pro; replaces leucine 403 with proline.
Molecular consequence: missense variant. On other transcripts: 5 prime UTR variant (1).
Genome position (GRCh38, 1-based): chr7:116,731,675, T>C. VCF-style: chr7-116731675-T-C. GRCh37 (hg19) VCF-style: chr7-116371729-T-C.
Other names: c.1208T>C, p.Leu403Pro (NM_001127500.3, NM_001324401.3); c.-83T>C (NM_001324402.2); short protein forms L403P.
Identifiers: ClinVar variation 834270 (VCV000834270.7), dbSNP rs761254993, ClinGen allele CA4448115.
Genomic context (GRCh38, chr7:116,731,675, plus strand): 5'-CAGCTTGTTCATGTCTGGATTCACATTAACTCTATGACCATATTTTATTCCAGACACTTC[T>C]GAGAAATTCATCAGGCTGTGAAGCGCGCCGTGATGAATATCGAACAGAGTTTACCACAGC-3'
Protein context (NP_000236.2, residues 393-413): NHEHCFNRTL[Leu403Pro]RNSSGCEARR